The following is an entry in ClinVar:

ClinVar aggregate classification (germline): Uncertain significance (1 of 4 stars; one submission).

Submission:

Biesecker Lab/Clinical Genomics Section, National Institutes of Health
Classification: Uncertain significance. Last evaluated: 2013-06-24. Review status: criteria provided, single submitter. Criteria: Ng et al. (Circ Cardiovasc Genet. 2013). Collection method: research. Allele origin: unknown. Observed: 1 variant allele. Study: ClinSeq.
Comment: The study set was not selected for affection status in relation to any cancer. Pathogenicity categories were based on literature curation. See Pubmed ID:23861362 for details.

Medical sequencing

NM_001267550.2(TTN):c.36470T>A (p.Val12157Glu)

Gene: TTN (titin; minus strand). Cytogenetic location: 2q31.2.
Variant type: single nucleotide variant.
Coding change: c.36470T>A on transcript NM_001267550.2 (MANE Select); coding-DNA position 36470, T replaced by A.
Protein change: p.Val12157Glu; replaces valine 12157 with glutamic acid.
Molecular consequence: missense variant. On other transcripts: intron variant (4).
Genome position (GRCh38, 1-based): chr2:178,663,689, A>T on the plus strand (T>A on the coding strand, the complement: TTN is on the minus strand). VCF-style: chr2-178663689-A-T. GRCh37 (hg19) VCF-style: chr2-179528416-A-T.
Other names: c.13283-21372T>A (NM_003319.4); c.13859-21372T>A (NM_133437.4); c.13658-21372T>A (NM_133432.3); c.34265-634T>A (NM_001256850.1); c.31484-634T>A (NM_133378.4); short protein forms V12157E.
Identifiers: ClinVar variation 191985 (VCV000191985.1), dbSNP rs199955429, ClinGen allele CA238029.